The following is an entry in ClinVar:

NM_000095.3(COMP):c.2227+8G>A

Gene: COMP (cartilage oligomeric matrix protein; minus strand). Cytogenetic location: 19p13.11.
Variant type: single nucleotide variant.
Coding change: c.2227+8G>A on transcript NM_000095.3 (MANE Select); 8 bases into the intron after coding-DNA position 2227, G replaced by A.
Molecular consequence: intron variant.
Genome position (GRCh38, 1-based): chr19:18,783,046, C>T on the plus strand (G>A on the coding strand, the complement: COMP is on the minus strand). VCF-style: chr19-18783046-C-T. GRCh37 (hg19) VCF-style: chr19-18893856-C-T.
Identifiers: ClinVar variation 328609 (VCV000328609.30), dbSNP rs116499541, ClinGen allele CA9316144.
Genomic context (GRCh38, chr19:18,783,046, plus strand): 5'-AGGGCTGAGAAGGCCAGCAGGGCCTGTGTGCAGACTCCCCGCCCACGGCCCGCTGGCCCT[C>T]GGCTCACCATTGCAGCGGTAACGCAGGTTGGCCCAGATGATGTTCTCCTGGGAGAAGCAG-3'

ClinVar aggregate classification (germline): Benign/Likely benign. Review status: criteria provided, multiple submitters, no conflicts (2 of 4 stars). 7 submissions from 6 submitters: Benign (5); Likely benign (2). Last evaluated 2026-05-11.

Conditions:
Connective tissue disorder. Also called: Connective tissue disease. Identifiers: MedGen C0009782, MONDO:0003900.
Multiple epiphyseal dysplasia type 1. Also called: COMP-Related Multiple Epiphyseal Dysplasia. Identifiers: Orphanet 93308, MedGen C1838280, MONDO:0007561, OMIM 132400.
Pseudoachondroplastic spondyloepiphyseal dysplasia syndrome (PSACH). Also called: COMP-Related Pseudoachondroplasia; PSEUDOACHONDROPLASTIC DYSPLASIA; Pseudoachondroplasia. Identifiers: Orphanet 750, MedGen C0410538, MONDO:0008322, OMIM 177170.

Allele frequency attached by ClinVar (database versions not stated): gnomAD exomes 0.00363; ExAC 0.00425; 1000 Genomes Project 0.01278; 1000 Genomes Project 30x 0.01405; TOPMed 0.01556; ESP Exome Variant Server 0.01768.
gnomAD v4.1: 4,037 of 1,612,206 alleles (0.25%); highest among the groups gnomAD compares: African/African-American, 4.6%; 77 homozygotes.

Submissions (7):

Women's Health and Genetics/Laboratory Corporation of America, LabCorp
Classification: Benign. Last evaluated: 2026-05-11. Review status: criteria provided, single submitter. Criteria: LabCorp Variant Classification Summary - May 2015. Collection method: clinical testing. Allele origin: germline.

Labcorp Genetics (formerly Invitae), Labcorp
Classification: Benign. Last evaluated: 2026-01-26. Review status: criteria provided, single submitter. Criteria: Invitae Variant Classification Sherloc (09022015). Collection method: clinical testing. Allele origin: germline.

ARUP Laboratories, Molecular Genetics and Genomics, ARUP Laboratories
Classification: Benign. Last evaluated: 2023-09-21. Review status: criteria provided, single submitter. Criteria: ARUP Molecular Germline Variant Investigation Process 2024. Collection method: clinical testing. Allele origin: germline.

Genome Diagnostics Laboratory, The Hospital for Sick Children
Classification: Likely benign for Connective tissue disorder. Last evaluated: 2022-02-10. Review status: criteria provided, single submitter. Criteria: ACMG Guidelines, 2015. Collection method: clinical testing. Allele origin: germline.

Illumina Laboratory Services, Illumina
Classification: Benign for Pseudoachondroplastic spondyloepiphyseal dysplasia syndrome. Last evaluated: 2018-01-12. Review status: criteria provided, single submitter. Criteria: ICSL Variant Classification Criteria 13 December 2019. Collection method: clinical testing. Allele origin: germline.
Comment: This variant was observed in the ICSL laboratory as part of a predisposition screen in an ostensibly healthy population. It had not been previously curated by ICSL or reported in the Human Gene Mutation Database (HGMD: prior to June 1st, 2018), and was therefore a candidate for classification through an automated scoring system. Utilizing variant allele frequency, disease prevalence and penetrance estimates, and inheritance mode, an automated score was calculated to assess if this variant is too frequent to cause the disease. Based on the score and internal cut-off values, a variant classified as benign is not then subjected to further curation. The score for this variant resulted in a classification of benign for this disease.

Illumina Laboratory Services, Illumina
Classification: Benign for Multiple epiphyseal dysplasia type 1. Last evaluated: 2018-01-12. Review status: criteria provided, single submitter. Criteria: ICSL Variant Classification Criteria 13 December 2019. Collection method: clinical testing. Allele origin: germline.
Comment: the same text as in the submission from Illumina Laboratory Services, Illumina above.

Center for Pediatric Genomic Medicine, Children's Mercy Hospital and Clinics
Classification: Likely benign. Last evaluated: 2017-04-28. Review status: criteria provided, single submitter. Criteria: ACMG Guidelines, 2015. Collection method: clinical testing. Allele origin: germline.